The following is an entry in ClinVar:

NM_018714.3(COG1):c.2900C>G (p.Pro967Arg)

Genes: COG1 (component of oligomeric golgi complex 1; plus strand), VCF1 (VCP nuclear cofactor family member 1; minus strand). Cytogenetic location: 17q25.1.
Variant type: single nucleotide variant.
Coding change: c.2900C>G on transcript NM_018714.3 (MANE Select); coding-DNA position 2900, C replaced by G.
Protein change: p.Pro967Arg; replaces proline 967 with arginine.
Molecular consequence: missense variant. On other transcripts: 3 prime UTR variant (5).
Genome position (GRCh38, 1-based): chr17:73,208,408, C>G. VCF-style: chr17-73208408-C-G. GRCh37 (hg19) VCF-style: chr17-71204547-C-G.
Other names: c.*1121G>C (NM_001098832.2, NM_001289412.2, NM_032837.3); c.*1270G>C (NM_001289410.1, NM_001289411.1); short protein forms P967R.
Identifiers: ClinVar variation 324978 (VCV000324978.12), dbSNP rs147588256, ClinGen allele CA8740702.

ClinVar aggregate classification (germline): Uncertain significance. Review status: criteria provided, multiple submitters, no conflicts (2 of 4 stars). 4 submissions from 4 submitters: Uncertain significance (4). Last evaluated 2024-09-10.

Conditions:
Inborn genetic diseases. Identifiers: MedGen C0950123, MeSH D030342.
COG1 congenital disorder of glycosylation (CDG2G). Also called: CONGENITAL DISORDER OF GLYCOSYLATION, TYPE IIg; CDG IIg; CDGII/COG1 CEREBROCOSTOMANDIBULAR-LIKE SYNDROME. Identifiers: Orphanet 263508, MedGen C2931011, MONDO:0012637, OMIM 611209.

Allele frequency attached by ClinVar (database versions not stated): 1000 Genomes Project 30x 0.00016; 1000 Genomes Project 0.00020; TOPMed 0.00032; gnomAD 0.00033 and 0.00034; ESP Exome Variant Server 0.00046; ExAC 0.00061.
gnomAD v4.1: 810 of 1,614,222 alleles (0.05%); highest among the groups gnomAD compares: Non-Finnish European, 0.062%; no homozygotes.

Submissions (4):

Ambry Genetics
Classification: Uncertain significance for Inborn genetic diseases. Last evaluated: 2024-09-10. Review status: criteria provided, single submitter. Criteria: Ambry Variant Classification Scheme 2023. Collection method: clinical testing. Allele origin: germline.

Clinical Genomics Laboratory, Washington University in St. Louis
Classification: Uncertain significance for COG1 congenital disorder of glycosylation. Last evaluated: 2024-05-03. Review status: criteria provided, single submitter. Criteria: ACMG Guidelines, 2015. Collection method: clinical testing. Allele origin: germline.
Comment: The COG1 c.2900C>G (p.Pro967Arg) variant, to our knowledge, has not been reported in the medical literature. The highest population minor allele frequency in the population database genome aggregation database (v.2.1.1) is 0.088% in the European non-Finnish population. Computational predictors suggest that the variant does not impact COG1 function. This variant has been reported in the ClinVar database as a germline variant of uncertain significance by three submitters. Due to limited information, and based on ACMG/AMP guidelines for variant interpretation (Richards S et al., PMID: 25741868), the clinical significance of this variant is uncertain at this time.

Labcorp Genetics (formerly Invitae), Labcorp
Classification: Uncertain significance for COG1 congenital disorder of glycosylation. Last evaluated: 2022-10-13. Review status: criteria provided, single submitter. Criteria: Invitae Variant Classification Sherloc (09022015). Collection method: clinical testing. Allele origin: germline.
Comment: This sequence change replaces proline, which is neutral and non-polar, with arginine, which is basic and polar, at codon 967 of the COG1 protein (p.Pro967Arg). This variant is present in population databases (rs147588256, gnomAD 0.09%), and has an allele count higher than expected for a pathogenic variant. This variant has not been reported in the literature in individuals affected with COG1-related conditions. ClinVar contains an entry for this variant (Variation ID: 324978). Algorithms developed to predict the effect of missense changes on protein structure and function are either unavailable or do not agree on the potential impact of this missense change (SIFT: "Tolerated"; PolyPhen-2: "Possibly Damaging"; Align-GVGD: "Class C0"). In summary, the available evidence is currently insufficient to determine the role of this variant in disease. Therefore, it has been classified as a Variant of Uncertain Significance.

Illumina Laboratory Services, Illumina
Classification: Uncertain significance for COG1 congenital disorder of glycosylation. Last evaluated: 2018-01-13. Review status: criteria provided, single submitter. Criteria: ICSL Variant Classification Criteria 13 December 2019. Collection method: clinical testing. Allele origin: germline.